The following is an entry in ClinVar:

NC_000009.12:g.35657696C>T

Gene: RMRP (RNA component of mitochondrial RNA processing endoribonuclease; minus strand). Cytogenetic location: 9p13.3.
Variant type: single nucleotide variant.
Genome position: GRCh38 VCF-style: chr9-35657696-C-T. GRCh37 (hg19) VCF-style: chr9-35657693-C-T.
Identifiers: ClinVar variation 3642288 (VCV003642288.2).
Genomic context (GRCh38, chr9:35,657,696, plus strand): 5'-AGCCAGGCATGATGGCGTGCGCCTGCGGTCCCAACTACTTGGGAGCCTGAGGTGAGGCAT[C>T]GCGTGAGCCCGGGGAGGTCGAGGCTGCAGTGAGCCGTGGTCTCGGGAACAAAAAACAGCC-3'

ClinVar aggregate classification (germline): Uncertain significance (1 of 4 stars; one submission).

Conditions:
Anauxetic dysplasia. Identifiers: Orphanet 93347, MedGen C1846796, MONDO:0011773.

Submission:

Labcorp Genetics (formerly Invitae), Labcorp
Classification: Uncertain significance for Anauxetic dysplasia. Last evaluated: 2024-02-27. Review status: criteria provided, single submitter. Criteria: Invitae Variant Classification Sherloc (09022015). Collection method: clinical testing. Allele origin: germline.
Comment: This variant occurs in the RMRP gene, which encodes an RNA molecule that does not result in a protein product. This variant is not present in population databases (gnomAD no frequency). This variant has not been reported in the literature in individuals affected with RMRP-related conditions. Experimental studies and prediction algorithms are not available or were not evaluated, and the functional significance of this variant is currently unknown. In summary, the available evidence is currently insufficient to determine the role of this variant in disease. Therefore, it has been classified as a Variant of Uncertain Significance.